The following is an entry in ClinVar:

NM_000342.4(SLC4A1):c.876+1G>A

Gene: SLC4A1 (solute carrier family 4 member 1 (Diego blood group); minus strand). Cytogenetic location: 17q21.31.
Variant type: single nucleotide variant.
Coding change: c.876+1G>A on transcript NM_000342.4 (MANE Select); the canonical splice donor site of the intron after coding-DNA position 876, G replaced by A.
Molecular consequence: splice donor variant.
Genome position (GRCh38, 1-based): chr17:44,259,162, C>T on the plus strand (G>A on the coding strand, the complement: SLC4A1 is on the minus strand). VCF-style: chr17-44259162-C-T. GRCh37 (hg19) VCF-style: chr17-42336530-C-T.
Identifiers: ClinVar variation 504391 (VCV000504391.2), dbSNP rs1555596483, ClinGen allele CA399789096.
Genomic context (GRCh38, chr17:44,259,162, plus strand): 5'-GCCTCAGCCACCATGCAGGTCCCAAGCTTCCCCAGCCCAGCCCTCTCCGGCCCTTCCTTA[C>T]CCTCTCTGACATGAGGGTGGCAGCAGCCCGGCCAAGCTGGGTGTAATCGATGTGGGGGGC-3'

ClinVar aggregate classification (germline): Pathogenic (1 of 4 stars; one submission).

Allele frequency attached by ClinVar (database versions not stated): gnomAD exomes below 0.00001.
gnomAD v4.1: 1 of 1,613,994 alleles (0.000062%); highest among the groups gnomAD compares: Non-Finnish European, 0.000085%; no homozygotes.

Submission:

GeneDx
Classification: Pathogenic. Last evaluated: 2018-02-23. Review status: criteria provided, single submitter. Criteria: GeneDx Variant Classification (06012015). Collection method: clinical testing. Allele origin: germline. Affected: yes.
Comment: The c.876+1G>A variant in the SLC4A1 gene has not been reported previously as a pathogenic variant nor as a benign variant, to our knowledge. This splice site variant destroys the canonical splice donor site in intron 9. It is predicted to cause abnormal gene splicing, either leading to an abnormal message that is subject to nonsense-mediated mRNA decay, or to an abnormal protein product if the message is used for protein translation. The c.876+1G>A variant is not observed in large population cohorts (Lek et al., 2016). We interpret c.876+1G>A as a pathogenic variant.